The following is an entry in ClinVar:

ClinVar aggregate classification (germline): Uncertain significance (1 of 4 stars; one submission).

Conditions:
Hereditary pancreatitis (PCTT). Also called: Hereditary chronic pancreatitis; PRSS1-Related Hereditary Pancreatitis. Identifiers: Orphanet 676, MedGen C0238339, MONDO:0008185, OMIM 167800.

Allele frequency attached by ClinVar (database versions not stated): gnomAD exomes below 0.00001; TOPMed 0.00001.
gnomAD v4.1: 2 of 1,613,644 alleles (0.00012%); highest among the groups gnomAD compares: Admixed American, 0.0017%; no homozygotes.

Submission:

Ambry Genetics
Classification: Uncertain significance for Hereditary pancreatitis. Last evaluated: 2024-03-09. Review status: criteria provided, single submitter. Criteria: Ambry Variant Classification Scheme 2023. Collection method: clinical testing. Allele origin: germline.
Comment: The p.V39M variant (also known as c.115G>A), located in coding exon 2 of the CPA1 gene, results from a G to A substitution at nucleotide position 115. The valine at codon 39 is replaced by methionine, an amino acid with highly similar properties. This amino acid position is conserved. In addition, the in silico prediction for this alteration is inconclusive. Since supporting evidence is limited at this time, the clinical significance of this alteration remains unclear.

NM_001868.4(CPA1):c.115G>A (p.Val39Met)

Gene: CPA1 (carboxypeptidase A1; plus strand). Cytogenetic location: 7q32.2.
Variant type: single nucleotide variant.
Coding change: c.115G>A on transcript NM_001868.4 (MANE Select); coding-DNA position 115, G replaced by A.
Protein change: p.Val39Met; replaces valine 39 with methionine.
Molecular consequence: missense variant.
Genome position (GRCh38, 1-based): chr7:130,381,147, G>A. VCF-style: chr7-130381147-G-A. GRCh37 (hg19) VCF-style: chr7-130020988-G-A.
Other names: short protein forms V39M.
Identifiers: ClinVar variation 1736341 (VCV001736341.2), dbSNP rs1554411112, ClinGen allele CA369279266.